The following is an entry in ClinVar:

ClinVar aggregate classification (germline): Uncertain significance (1 of 4 stars; one submission).

Conditions:
Autosomal dominant nocturnal frontal lobe epilepsy 5. Also called: Epilepsy, nocturnal frontal lobe, 5; CILIARY DYSKINESIA, PRIMARY, 28, WITHOUT SITUS INVERSUS; CILIARY DYSKINESIA, PRIMARY, 28, WITH SITUS INVERSUS; KCNT1-Related Epilepsy. Identifiers: Orphanet 98784, MedGen C3554306, MONDO:0014002, OMIM 615005.
Developmental and epileptic encephalopathy, 14 (DEE14). Also called: Early infantile epileptic encephalopathy 14. Identifiers: Orphanet 293181, MedGen C3554195, MONDO:0013989, OMIM 614959.

gnomAD v4.1: 2 of 1,603,616 alleles (0.00012%); highest among the groups gnomAD compares: Non-Finnish European, 0.000085%; no homozygotes.

Submission:

Labcorp Genetics (formerly Invitae), Labcorp
Classification: Uncertain significance for Autosomal dominant nocturnal frontal lobe epilepsy 5; Developmental and epileptic encephalopathy, 14. Last evaluated: 2025-06-22. Review status: criteria provided, single submitter. Criteria: Invitae Variant Classification Sherloc (09022015). Collection method: clinical testing. Allele origin: germline.
Comment: This sequence change replaces glutamic acid, which is acidic and polar, with glutamine, which is neutral and polar, at codon 1151 of the KCNT1 protein (p.Glu1151Gln). This variant is not present in population databases (gnomAD no frequency). This variant has not been reported in the literature in individuals affected with KCNT1-related conditions. ClinVar contains an entry for this variant (Variation ID: 2939541). Invitae Evidence Modeling of protein sequence and biophysical properties (such as structural, functional, and spatial information, amino acid conservation, physicochemical variation, residue mobility, and thermodynamic stability) indicates that this missense variant is not expected to disrupt KCNT1 protein function with a negative predictive value of 80%. In summary, the available evidence is currently insufficient to determine the role of this variant in disease. Therefore, it has been classified as a Variant of Uncertain Significance.

NM_020822.3(KCNT1):c.3451G>C (p.Glu1151Gln)

Gene: KCNT1 (potassium sodium-activated channel subfamily T member 1; plus strand). Cytogenetic location: 9q34.3.
Variant type: single nucleotide variant.
Coding change: c.3451G>C on transcript NM_020822.3 (MANE Select); coding-DNA position 3451, G replaced by C.
Protein change: p.Glu1151Gln; replaces glutamic acid 1151 with glutamine.
Molecular consequence: missense variant.
Genome position (GRCh38, 1-based): chr9:135,786,470, G>C. VCF-style: chr9-135786470-G-C. GRCh37 (hg19) VCF-style: chr9-138678316-G-C.
Other names: c.3316G>C, p.Glu1106Gln (NM_001272003.2); short protein forms E1106Q, E1151Q.
Identifiers: ClinVar variation 2939541 (VCV002939541.3), dbSNP rs767450181, ClinGen allele CA375492249.
Genomic context (GRCh38, chr9:135,786,470, plus strand): 5'-GAGTGGATCAGCCAGCAGCGCCTCAGCCTGTACCGGCGCTCTGAGCGCCAGGAGCTCTCC[G>C]AGCTGGTGAAGAACCGCATGAAGCACCTGGGGCTGCCCACCACCGGCTACGGTAAGGGCA-3'
Protein context (NP_065873.2, residues 1141-1161): YRRSERQELS[Glu1151Gln]LVKNRMKHLG